The following is an entry in ClinVar:

ClinVar aggregate classification (germline): Uncertain significance. Review status: criteria provided, multiple submitters, no conflicts (2 of 4 stars). 2 submissions from 2 submitters: Uncertain significance (2). Last evaluated 2023-11-16.

Conditions:
Waardenburg syndrome type 1 (WS1). Also called: WAARDENBURG SYNDROME WITH DYSTOPIA CANTHORUM; Waardenburg Syndrome Type I. Identifiers: Orphanet 894, MedGen C1847800, MONDO:0008670, OMIM 193500.

Submissions (2):

Labcorp Genetics (formerly Invitae), Labcorp
Classification: Uncertain significance. Last evaluated: 2023-11-16. Review status: criteria provided, single submitter. Criteria: Invitae Variant Classification Sherloc (09022015). Collection method: clinical testing. Allele origin: germline.
Comment: This sequence change replaces proline, which is neutral and non-polar, with serine, which is neutral and polar, at codon 244 of the PAX3 protein (p.Pro244Ser). This variant is not present in population databases (gnomAD no frequency). This variant has not been reported in the literature in individuals affected with PAX3-related conditions. ClinVar contains an entry for this variant (Variation ID: 547745). Advanced modeling of protein sequence and biophysical properties (such as structural, functional, and spatial information, amino acid conservation, physicochemical variation, residue mobility, and thermodynamic stability) has been performed at Invitae for this missense variant, however the output from this modeling did not meet the statistical confidence thresholds required to predict the impact of this variant on PAX3 protein function. In summary, the available evidence is currently insufficient to determine the role of this variant in disease. Therefore, it has been classified as a Variant of Uncertain Significance.

Center for Human Genetics, Inc
Classification: Uncertain significance for Waardenburg syndrome type 1. Last evaluated: 2016-11-01. Review status: criteria provided, single submitter. Criteria: ACMG Guidelines, 2015. Collection method: clinical testing. Allele origin: germline. Affected: yes.

NM_181458.4(PAX3):c.730C>T (p.Pro244Ser)

Gene: PAX3 (paired box 3; minus strand). Cytogenetic location: 2q36.1.
Variant type: single nucleotide variant.
Coding change: c.730C>T on transcript NM_181458.4 (MANE Select); coding-DNA position 730, C replaced by T.
Protein change: p.Pro244Ser; replaces proline 244 with serine.
Molecular consequence: missense variant.
Genome position (GRCh38, 1-based): chr2:222,232,140, G>A on the plus strand (C>T on the coding strand, the complement: PAX3 is on the minus strand). VCF-style: chr2-222232140-G-A. GRCh37 (hg19) VCF-style: chr2-223096859-G-A.
Other names: c.727C>T, p.Pro243Ser (NM_001127366.3); c.730C>T, p.Pro244Ser (NM_181457.4, NM_181459.4, NM_181460.4 and 1 more transcripts); short protein forms P244S, P243S.
Identifiers: ClinVar variation 547745 (VCV000547745.4), dbSNP rs1553575183, ClinGen allele CA351112349.